The following is an entry in ClinVar:

ClinVar aggregate classification (germline): Uncertain significance. Review status: criteria provided, multiple submitters, no conflicts (2 of 4 stars). 2 submissions from 2 submitters: Uncertain significance (2). Last evaluated 2025-02-26.

Submissions (2):

Mayo Clinic Laboratories, Mayo Clinic
Classification: Uncertain significance. Last evaluated: 2025-02-26. Review status: criteria provided, single submitter. Criteria: ACMG Guidelines, 2015. Collection method: clinical testing. Allele origin: germline. Observed: 1 variant allele.
Comment: PM2_supporting

Labcorp Genetics (formerly Invitae), Labcorp
Classification: Uncertain significance. Last evaluated: 2025-02-09. Review status: criteria provided, single submitter. Criteria: Invitae Variant Classification Sherloc (09022015). Collection method: clinical testing. Allele origin: germline.
Comment: This sequence change replaces leucine, which is neutral and non-polar, with phenylalanine, which is neutral and non-polar, at codon 899 of the TRPC6 protein (p.Leu899Phe). This variant is not present in population databases (gnomAD no frequency). This variant has not been reported in the literature in individuals affected with TRPC6-related conditions. ClinVar contains an entry for this variant (Variation ID: 1504689). Invitae Evidence Modeling of protein sequence and biophysical properties (such as structural, functional, and spatial information, amino acid conservation, physicochemical variation, residue mobility, and thermodynamic stability) has been performed for this missense variant. However, the output from this modeling did not meet the statistical confidence thresholds required to predict the impact of this variant on TRPC6 protein function. In summary, the available evidence is currently insufficient to determine the role of this variant in disease. Therefore, it has been classified as a Variant of Uncertain Significance.

NM_004621.6(TRPC6):c.2695C>T (p.Leu899Phe)

Gene: TRPC6 (transient receptor potential cation channel subfamily C member 6; minus strand). Cytogenetic location: 11q22.1.
Variant type: single nucleotide variant.
Coding change: c.2695C>T on transcript NM_004621.6 (MANE Select); coding-DNA position 2695, C replaced by T.
Protein change: p.Leu899Phe; replaces leucine 899 with phenylalanine.
Molecular consequence: missense variant.
Genome position (GRCh38, 1-based): chr11:101,453,056, G>A on the plus strand (C>T on the coding strand, the complement: TRPC6 is on the minus strand). VCF-style: chr11-101453056-G-A. GRCh37 (hg19) VCF-style: chr11-101323787-G-A.
Other names: p.Leu899Phe; short protein forms L899F.
Identifiers: ClinVar variation 1504689 (VCV001504689.9), dbSNP rs2136635196, ClinGen allele CA382486971.